The following is an entry in ClinVar:

NM_001609.4(ACADSB):c.*2086G>A

Gene: ACADSB (acyl-CoA dehydrogenase short/branched chain; plus strand). Cytogenetic location: 10q26.13.
Variant type: single nucleotide variant.
Coding change: c.*2086G>A on transcript NM_001609.4 (MANE Select); 2086 bases downstream of the stop codon, G replaced by A.
Molecular consequence: 3 prime UTR variant.
Genome position (GRCh38, 1-based): chr10:123,055,851, G>A. VCF-style: chr10-123055851-G-A. GRCh37 (hg19) VCF-style: chr10-124815367-G-A.
Other names: c.*2086G>A (NM_001330174.3).
Identifiers: ClinVar variation 877437 (VCV000877437.4), dbSNP rs150796883, ClinGen allele CA215174438.
Genomic context (GRCh38, chr10:123,055,851, plus strand): 5'-TTTAAACCTCCAAAATGATCACCTTTGACTCCACGTCTCACAATCATCTCTCTCAAGTTC[G>A]AAGTTCCACAAATCTCTAAGGCAAGGGAAAGATGCTGCCAGTCTCTTTGCTAAAACACAG-3'

ClinVar aggregate classification (germline): Likely benign (1 of 4 stars; one submission).

Conditions:
Deficiency of 2-methylbutyryl-CoA dehydrogenase (ACADSB). Also called: 2-methylbutyryl-CoA dehydrogenase deficiency; SBCAD deficiency; 2-methylbutyric aciduria; Short branched-chain acyl-CoA dehydrogenase deficiency; 2-methylbutyrylglycinuria. Identifiers: Orphanet 79157, MedGen C1864912, MONDO:0012392, OMIM 610006, HP:0020147.

Allele frequency attached by ClinVar (database versions not stated): gnomAD 0.00219 and 0.00231; TOPMed 0.00258; 1000 Genomes Project 0.00339; 1000 Genomes Project 30x 0.00344.

Submission:

Illumina Laboratory Services, Illumina
Classification: Likely benign for Deficiency of 2-methylbutyryl-CoA dehydrogenase. Last evaluated: 2018-01-12. Review status: criteria provided, single submitter. Criteria: ICSL Variant Classification Criteria 13 December 2019. Collection method: clinical testing. Allele origin: germline.
Comment: This variant was observed in the ICSL laboratory as part of a predisposition screen in an ostensibly healthy population. It had not been previously curated by ICSL or reported in the Human Gene Mutation Database (HGMD: prior to June 1st, 2018), and was therefore a candidate for classification through an automated scoring system. Utilizing variant allele frequency, disease prevalence and penetrance estimates, and inheritance mode, an automated score was calculated to assess if this variant is too frequent to cause the disease. Based on the score and internal cut-off values, a variant classified as likely benign is not then subjected to further curation. The score for this variant resulted in a classification of likely benign for this disease.